The following is an entry in ClinVar:

NM_001352514.2(HLCS):c.2357G>C (p.Arg786Thr)

Gene: HLCS (holocarboxylase synthetase; minus strand). Cytogenetic location: 21q22.13.
Variant type: single nucleotide variant.
Coding change: c.2357G>C on transcript NM_001352514.2 (MANE Select); coding-DNA position 2357, G replaced by C.
Protein change: p.Arg786Thr; replaces arginine 786 with threonine.
Molecular consequence: missense variant. On other transcripts: non-coding transcript variant (2).
Genome position (GRCh38, 1-based): chr21:36,756,635, C>G on the plus strand (G>C on the coding strand, the complement: HLCS is on the minus strand). VCF-style: chr21-36756635-C-G. GRCh37 (hg19) VCF-style: chr21-38128936-C-G.
Other names: c.1916G>C, p.Arg639Thr (NM_000411.8, NM_001242784.3, NM_001242785.2 and 4 more transcripts); short protein forms R639T, R786T.
Identifiers: ClinVar variation 3709749 (VCV003709749.2).

ClinVar aggregate classification (germline): Uncertain significance (1 of 4 stars; one submission).

Conditions:
Holocarboxylase synthetase deficiency. Also called: MULTIPLE CARBOXYLASE DEFICIENCY, EARLY ONSET. Identifiers: Orphanet 79242, MedGen C0268581, MONDO:0009666, OMIM 253270.

Submission:

Labcorp Genetics (formerly Invitae), Labcorp
Classification: Uncertain significance for Holocarboxylase synthetase deficiency. Last evaluated: 2024-12-17. Review status: criteria provided, single submitter. Criteria: Invitae Variant Classification Sherloc (09022015). Collection method: clinical testing. Allele origin: germline.
Comment: This sequence change replaces arginine, which is basic and polar, with threonine, which is neutral and polar, at codon 639 of the HLCS protein (p.Arg639Thr). This variant is not present in population databases (gnomAD no frequency). This variant has not been reported in the literature in individuals affected with HLCS-related conditions. Invitae Evidence Modeling of protein sequence and biophysical properties (such as structural, functional, and spatial information, amino acid conservation, physicochemical variation, residue mobility, and thermodynamic stability) indicates that this missense variant is expected to disrupt HLCS protein function with a positive predictive value of 95%. In summary, the available evidence is currently insufficient to determine the role of this variant in disease. Therefore, it has been classified as a Variant of Uncertain Significance.